The following is an entry in ClinVar:

ClinVar aggregate classification (germline): Benign (1 of 4 stars; one submission).

Conditions:
Familial cancer of breast. Also called: Hereditary breast cancer; hereditary breast carcinoma; BREAST CANCER, FAMILIAL. Identifiers: Orphanet 227535, MedGen C0346153, MONDO:0016419, OMIM 114480. Disease mechanism: loss of function.

Submission:

Myriad Genetics, Inc.
Classification: Benign for Familial cancer of breast. Last evaluated: 2025-01-22. Review status: criteria provided, single submitter. Criteria: Myriad Autosomal Dominant, Autosomal Recessive and X-Linked Classification Criteria (2023). Collection method: clinical testing. Allele origin: unknown.
Comment: This variant is considered benign. This variant is a silent/synonymous amino acid change and it is not expected to impact splicing.

NM_024675.4(PALB2):c.3372A>G (p.Lys1124=)

Gene: PALB2 (partner and localizer of BRCA2; minus strand). Cytogenetic location: 16p12.2.
Variant type: single nucleotide variant.
Coding change: c.3372A>G on transcript NM_024675.4 (MANE Select); coding-DNA position 3372, A replaced by G.
Protein change: p.Lys1124=; no amino-acid change (lysine 1124 retained).
Molecular consequence: synonymous variant. On other transcripts: 3 prime UTR variant (5).
Genome position (GRCh38, 1-based): chr16:23,603,648, T>C on the plus strand (A>G on the coding strand, the complement: PALB2 is on the minus strand). VCF-style: chr16-23603648-T-C. GRCh37 (hg19) VCF-style: chr16-23614969-T-C.
Other names: c.3312A>G, p.Lys1104= (NM_001407296.1); c.3300A>G, p.Lys1100= (NM_001407297.1); c.3210A>G, p.Lys1070= (NM_001407298.1); c.3135A>G, p.Lys1045= (NM_001407299.1); c.3093A>G, p.Lys1031= (NM_001407300.1); c.*7A>G (NM_001407301.1, NM_001407302.1, NM_001407310.1 and 2 more transcripts); c.2487A>G, p.Lys829= (NM_001407304.1, NM_001407305.1, NM_001407306.1); c.2325A>G, p.Lys775= (NM_001407307.1); and 3 more.
Identifiers: ClinVar variation 3903625 (VCV003903625.1).